The following is an entry in ClinVar:

NM_002303.6(LEPR):c.2395+10C>A

Gene: LEPR (leptin receptor; plus strand). Cytogenetic location: 1p31.3.
Variant type: single nucleotide variant.
Coding change: c.2395+10C>A on transcript NM_002303.6 (MANE Select); 10 bases into the intron after coding-DNA position 2395, C replaced by A.
Molecular consequence: intron variant.
Genome position (GRCh38, 1-based): chr1:65,618,156, C>A. VCF-style: chr1-65618156-C-A. GRCh37 (hg19) VCF-style: chr1-66083839-C-A.
Other names: c.2395+10C>A (NM_001003679.3, NM_001003680.3, NM_001198689.2 and 2 more transcripts).
Identifiers: ClinVar variation 3356697 (VCV003356697.1).

ClinVar aggregate classification (germline): Likely benign (0 of 4 stars; one submission).

Conditions:
LEPR-related disorder. Also called: LEPR-related condition; LEPR-related disorders.

gnomAD v4.1: 9 of 1,597,438 alleles (0.00056%); highest among the groups gnomAD compares: Non-Finnish European, 0.00068%; no homozygotes.

Submission:

PreventionGenetics, part of Exact Sciences
Classification: Likely benign for LEPR-related condition. Last evaluated: 2024-08-23. Review status: no assertion criteria provided. Collection method: clinical testing. Allele origin: germline.
Comment: This variant is classified as likely benign based on ACMG/AMP sequence variant interpretation guidelines (Richards et al. 2015 PMID: 25741868, with internal and published modifications).